The following is an entry in ClinVar:

ClinVar aggregate classification (germline): Uncertain significance (1 of 4 stars; one submission).

Conditions:
Neuropathy, hereditary sensory, type 2C. Also called: KIF1A-Related HSAN2 (HSAN2C); Hereditary sensory and autonomic neuropathy type IIC. Identifiers: Orphanet 970, MedGen C3280168, MONDO:0013634, OMIM 614213.
Hereditary spastic paraplegia 30. Identifiers: Orphanet 101010, MedGen C5235139, MONDO:0012476.
Intellectual disability, autosomal dominant 9 (NESCAVS). Also called: NESCAV SYNDROME; KIF1A-Related Neurodevelopmental Disorder. Identifiers: Orphanet 662367, MedGen C5393830, MONDO:0013656, OMIM 614255.

Allele frequency attached by ClinVar (database versions not stated): TOPMed 0.00001.

Submission:

Labcorp Genetics (formerly Invitae), Labcorp
Classification: Uncertain significance for Hereditary spastic paraplegia 30; Neuropathy, hereditary sensory, type 2C; Intellectual disability, autosomal dominant 9. Last evaluated: 2023-05-30. Review status: criteria provided, single submitter. Criteria: Invitae Variant Classification Sherloc (09022015). Collection method: clinical testing. Allele origin: germline.
Comment: In summary, the available evidence is currently insufficient to determine the role of this variant in disease. Therefore, it has been classified as a Variant of Uncertain Significance. Advanced modeling of protein sequence and biophysical properties (such as structural, functional, and spatial information, amino acid conservation, physicochemical variation, residue mobility, and thermodynamic stability) performed at Invitae indicates that this missense variant is not expected to disrupt KIF1A protein function. This variant has not been reported in the literature in individuals affected with KIF1A-related conditions. This variant is not present in population databases (gnomAD no frequency). This sequence change replaces serine, which is neutral and polar, with threonine, which is neutral and polar, at codon 1187 of the KIF1A protein (p.Ser1187Thr).

NM_001244008.2(KIF1A):c.3863G>C (p.Ser1288Thr)

Genes: KIF1A (kinesin family member 1A; minus strand), LOC126806583 (P300/CBP strongly-dependent group 1 enhancer GRCh37_chr2:241678910-241680109; plus strand). Cytogenetic location: 2q37.3.
Variant type: single nucleotide variant.
Coding change: c.3863G>C on transcript NM_001244008.2 (MANE Select); coding-DNA position 3863, G replaced by C.
Protein change: p.Ser1288Thr; replaces serine 1288 with threonine.
Molecular consequence: missense variant.
Genome position (GRCh38, 1-based): chr2:240,740,096, C>G on the plus strand (G>C on the coding strand, the complement: KIF1A is on the minus strand). VCF-style: chr2-240740096-C-G. GRCh37 (hg19) VCF-style: chr2-241679513-C-G.
Other names: c.3587G>C, p.Ser1196Thr (NM_001320705.2, NM_001330289.2, NM_001379638.1); c.3662G>C, p.Ser1221Thr (NM_001330290.2, NM_001379634.1, NM_001379635.1 and 1 more transcripts); c.3938G>C, p.Ser1313Thr (NM_001379631.1); c.3812G>C, p.Ser1271Thr (NM_001379632.1); c.3836G>C, p.Ser1279Thr (NM_001379633.1, NM_001379642.1, NM_001379645.1); c.3560G>C, p.Ser1187Thr (NM_001379636.1, NM_001379639.1, NM_001379641.1 and 6 more transcripts); c.3635G>C, p.Ser1212Thr (NM_001379637.1, NM_001379648.1); c.3557G>C, p.Ser1186Thr (NM_001379640.1); short protein forms S1186T, S1313T, S1196T, S1212T, S1221T, S1271T, S1279T, S1187T.
Identifiers: ClinVar variation 2940289 (VCV002940289.3), dbSNP rs1210553144, ClinGen allele CA351314347.